The following is an entry in ClinVar:

NM_002546.4(TNFRSF11B):c.539C>T (p.Thr180Ile)

Gene: TNFRSF11B (TNF receptor superfamily member 11b; minus strand). Cytogenetic location: 8q24.12.
Variant type: single nucleotide variant.
Coding change: c.539C>T on transcript NM_002546.4 (MANE Select); coding-DNA position 539, C replaced by T.
Protein change: p.Thr180Ile; replaces threonine 180 with isoleucine.
Molecular consequence: missense variant.
Genome position (GRCh38, 1-based): chr8:118,928,791, G>A on the plus strand (C>T on the coding strand, the complement: TNFRSF11B is on the minus strand). VCF-style: chr8-118928791-G-A. GRCh37 (hg19) VCF-style: chr8-119941030-G-A.
Other names: short protein forms T180I.
Identifiers: ClinVar variation 4701392 (VCV004701392.1).

ClinVar aggregate classification (germline): Uncertain significance (1 of 4 stars; one submission).

gnomAD v4.1: 19 of 1,614,064 alleles (0.0012%); highest among the groups gnomAD compares: South Asian, 0.016%; 1 homozygote.

Submission:

Labcorp Genetics (formerly Invitae), Labcorp
Classification: Uncertain significance. Last evaluated: 2025-11-17. Review status: criteria provided, single submitter. Criteria: Invitae Variant Classification Sherloc (09022015). Collection method: clinical testing. Allele origin: germline.
Comment: This sequence change replaces threonine, which is neutral and polar, with isoleucine, which is neutral and non-polar, at codon 180 of the TNFRSF11B protein (p.Thr180Ile). This variant is present in population databases (rs748104783, gnomAD 0.02%). This variant has not been reported in the literature in individuals affected with TNFRSF11B-related conditions. Invitae Evidence Modeling of protein sequence and biophysical properties (such as structural, functional, and spatial information, amino acid conservation, physicochemical variation, residue mobility, and thermodynamic stability) indicates that this missense variant is not expected to disrupt TNFRSF11B protein function with a negative predictive value of 80%. In summary, the available evidence is currently insufficient to determine the role of this variant in disease. Therefore, it has been classified as a Variant of Uncertain Significance.